The following is an entry in ClinVar:

ClinVar aggregate classification (germline): Likely pathogenic (1 of 4 stars; one submission).

Conditions:
Familial dysautonomia. Also called: FD; HSAN III. Identifiers: Orphanet 1764, MedGen C0013364, MONDO:0009131, OMIM 223900. Disease mechanism: loss of function.

Submission:

Natera, Inc.
Classification: Likely pathogenic for Familial dysautonomia. Last evaluated: 2025-03-10. Review status: criteria provided, single submitter. Criteria: Natera Variant Classification Schema (03/2026). Collection method: clinical testing. Allele origin: germline.
Comment: The c.260del variant in ELP1 is a frameshift variant predicted to shift the reading frame beginning at codon 87 and leads to a stop codon 22 codons downstream. This variant is expected to result in nonsense mediated decay, truncation, or a dysfunctional protein product. This variant is rare in the general population with a frequency below the threshold expected for the associated phenotype(s). Given the available evidence, this variant is classified as Likely Pathogenic.

NM_003640.5(ELP1):c.260del (p.Thr87fs)

Gene: ELP1 (elongator acetyltransferase complex subunit 1; minus strand). Cytogenetic location: 9q31.3.
Variant type: Deletion.
Coding change: c.260del on transcript NM_003640.5 (MANE Select); coding-DNA position 260, one base deleted (C; older notation c.260delC).
Protein change: p.Thr87fs; shifts the reading frame from threonine 87.
Molecular consequence: frameshift variant. On other transcripts: 5 prime UTR variant (2).
Genome position (GRCh38, 1-based): chr9:108,929,812, G deleted on the plus strand (C on the coding strand, the reverse complement: ELP1 is on the minus strand). VCF-style (leftmost placement, unchanged base first): chr9-108929811-TG-T. GRCh37 (hg19) VCF-style: chr9-111692091-TG-T.
Other names: c.-83del (NM_001318360.2); c.-600del (NM_001330749.2); short protein forms T87fs.
Identifiers: ClinVar variation 4067266 (VCV004067266.2).